The following is an entry in ClinVar:

ClinVar aggregate classification (germline): Uncertain significance (1 of 4 stars; one submission).

gnomAD v4.1: 6 of 1,611,982 alleles (0.00037%); highest among the groups gnomAD compares: Non-Finnish European, 0.00051%; no homozygotes.

Submission:

Labcorp Genetics (formerly Invitae), Labcorp
Classification: Uncertain significance. Last evaluated: 2025-02-03. Review status: criteria provided, single submitter. Criteria: Invitae Variant Classification Sherloc (09022015). Collection method: clinical testing. Allele origin: germline.
Comment: This sequence change affects codon 96 of the P2RX2 mRNA. It is a 'silent' change, meaning that it does not change the encoded amino acid sequence of the P2RX2 protein. This variant is present in population databases (rs777825395, gnomAD 0.002%). This variant has not been reported in the literature in individuals affected with P2RX2-related conditions. Algorithms developed to predict the effect of sequence changes on RNA splicing suggest that this variant may create or strengthen a splice site. In summary, the available evidence is currently insufficient to determine the role of this variant in disease. Therefore, it has been classified as a Variant of Uncertain Significance.

NM_170682.4(P2RX2):c.288G>A (p.Glu96=)

Gene: P2RX2 (purinergic receptor P2X 2; plus strand). Cytogenetic location: 12q24.33.
Variant type: single nucleotide variant.
Coding change: c.288G>A on transcript NM_170682.4 (MANE Select); coding-DNA position 288, G replaced by A.
Protein change: p.Glu96=; no amino-acid change (glutamic acid 96 retained).
Molecular consequence: synonymous variant. On other transcripts: missense variant (1), intron variant (1).
Genome position (GRCh38, 1-based): chr12:132,619,553, G>A. VCF-style: chr12-132619553-G-A. GRCh37 (hg19) VCF-style: chr12-133196139-G-A.
Other names: c.288G>A, p.Glu96= (NM_001282164.2, NM_001282165.2, NM_016318.4 and 2 more transcripts); c.220G>A, p.Gly74Arg (NM_012226.5); c.106-291G>A (NM_174872.3); short protein forms G74R.
Identifiers: ClinVar variation 3705228 (VCV003705228.2).